The following is an entry in ClinVar:

NM_000038.6(APC):c.2207A>C (p.Lys736Thr)

Gene: APC (APC regulator of Wnt signaling pathway; plus strand). Cytogenetic location: 5q22.2.
Variant type: single nucleotide variant.
Coding change: c.2207A>C on transcript NM_000038.6 (MANE Select); coding-DNA position 2207, A replaced by C.
Protein change: p.Lys736Thr; replaces lysine 736 with threonine.
Molecular consequence: missense variant. On other transcripts: non-coding transcript variant (2).
Genome position (GRCh38, 1-based): chr5:112,837,801, A>C. VCF-style: chr5-112837801-A-C. GRCh37 (hg19) VCF-style: chr5-112173498-A-C.
Other names: c.2207A>C, p.Lys736Thr (NM_001127510.3, NM_001354895.2, NM_001407450.1); c.2153A>C, p.Lys718Thr (NM_001127511.3); c.2261A>C, p.Lys754Thr (NM_001354896.2, NM_001407447.1, NM_001407448.1 and 1 more transcripts); c.2237A>C, p.Lys746Thr (NM_001354897.2); c.2132A>C, p.Lys711Thr (NM_001354898.2); c.2123A>C, p.Lys708Thr (NM_001354899.2); c.2084A>C, p.Lys695Thr (NM_001354900.2); c.2030A>C, p.Lys677Thr (NM_001354901.2, NM_001407453.1); and 12 more; short protein forms K352T, K576T, K607T, K610T, K708T, K726T, K635T, K677T.
Identifiers: ClinVar variation 2756057 (VCV002756057.4), dbSNP rs2149863271, ClinGen allele CA16026165.

ClinVar aggregate classification (germline): Uncertain significance. Review status: criteria provided, multiple submitters, no conflicts (2 of 4 stars). 2 submissions from 2 submitters: Uncertain significance (2). Last evaluated 2025-08-29.

Conditions:
Familial adenomatous polyposis 1 (FAP1). Also called: POLYPOSIS, ADENOMATOUS INTESTINAL; FAMILIAL ADENOMATOUS POLYPOSIS 1, ATTENUATED. Identifiers: MedGen C2713442, MONDO:0021056, OMIM 175100. Disease mechanism: loss of function.
Hereditary cancer-predisposing syndrome. Also called: Neoplastic Syndromes, Hereditary; Hereditary Cancer Syndrome; Tumor predisposition; Hereditary neoplastic syndrome. Identifiers: Orphanet 140162, MedGen C0027672, MeSH D009386, MONDO:0015356.

Submissions (2):

Ambry Genetics
Classification: Uncertain significance for Hereditary cancer-predisposing syndrome. Last evaluated: 2025-08-29. Review status: criteria provided, single submitter. Criteria: Ambry Variant Classification Scheme 2023. Collection method: clinical testing. Allele origin: germline.
Comment: The p.K736T variant (also known as c.2207A>C), located in coding exon 15 of the APC gene, results from an A to C substitution at nucleotide position 2207. The lysine at codon 736 is replaced by threonine, an amino acid with similar properties. This amino acid position is conserved. In addition, in silico predictors for this gene do not accurately predict pathogenicity. Based on the available evidence, the clinical significance of this variant remains unclear.

Labcorp Genetics (formerly Invitae), Labcorp
Classification: Uncertain significance for Familial adenomatous polyposis 1. Last evaluated: 2023-08-28. Review status: criteria provided, single submitter. Criteria: Invitae Variant Classification Sherloc (09022015). Collection method: clinical testing. Allele origin: germline.
Comment: In summary, the available evidence is currently insufficient to determine the role of this variant in disease. Therefore, it has been classified as a Variant of Uncertain Significance. Advanced modeling of protein sequence and biophysical properties (such as structural, functional, and spatial information, amino acid conservation, physicochemical variation, residue mobility, and thermodynamic stability) performed at Invitae indicates that this missense variant is not expected to disrupt APC protein function. This variant has not been reported in the literature in individuals affected with APC-related conditions. This variant is not present in population databases (gnomAD no frequency). This sequence change replaces lysine, which is basic and polar, with threonine, which is neutral and polar, at codon 736 of the APC protein (p.Lys736Thr).